The following is an entry in ClinVar:

NM_015896.4(ZMYND10):c.724A>G (p.Ser242Gly)

Gene: ZMYND10 (zinc finger MYND-type containing 10; minus strand). Cytogenetic location: 3p21.31.
Variant type: single nucleotide variant.
Coding change: c.724A>G on transcript NM_015896.4 (MANE Select); coding-DNA position 724, A replaced by G.
Protein change: p.Ser242Gly; replaces serine 242 with glycine.
Molecular consequence: missense variant.
Genome position (GRCh38, 1-based): chr3:50,342,546, T>C on the plus strand (A>G on the coding strand, the complement: ZMYND10 is on the minus strand). VCF-style: chr3-50342546-T-C. GRCh37 (hg19) VCF-style: chr3-50379977-T-C.
Other names: c.709A>G, p.Ser237Gly (NM_001308379.2); short protein forms S242G, S237G.
Identifiers: ClinVar variation 582793 (VCV000582793.9), dbSNP rs761674579, ClinGen allele CA2417091.

ClinVar aggregate classification (germline): Conflicting classifications of pathogenicity. Review status: criteria provided, conflicting classifications (1 of 4 stars). 3 submissions from 3 submitters: Uncertain significance (1); Likely benign (2). Last evaluated 2025-10-01.

Conditions:
Inborn genetic diseases. Identifiers: MedGen C0950123, MeSH D030342.
Primary ciliary dyskinesia. Also called: Ciliary dyskinesia. Identifiers: Orphanet 244, MedGen C0008780, MONDO:0016575, HP:0012265.

Allele frequency attached by ClinVar (database versions not stated): gnomAD 0.00003 and 0.00004; gnomAD exomes 0.00003 and 0.00004; ExAC 0.00005; TOPMed 0.00010.

Submissions (3):

Labcorp Genetics (formerly Invitae), Labcorp
Classification: Uncertain significance for Primary ciliary dyskinesia. Last evaluated: 2025-10-01. Review status: criteria provided, single submitter. Criteria: Invitae Variant Classification Sherloc (09022015). Collection method: clinical testing. Allele origin: germline.
Comment: This sequence change replaces serine, which is neutral and polar, with glycine, which is neutral and non-polar, at codon 242 of the ZMYND10 protein (p.Ser242Gly). This variant is present in population databases (rs761674579, gnomAD 0.006%). This variant has not been reported in the literature in individuals affected with ZMYND10-related conditions. ClinVar contains an entry for this variant (Variation ID: 582793). Invitae Evidence Modeling of protein sequence and biophysical properties (such as structural, functional, and spatial information, amino acid conservation, physicochemical variation, residue mobility, and thermodynamic stability) indicates that this missense variant is not expected to disrupt ZMYND10 protein function with a negative predictive value of 80%. In summary, the available evidence is currently insufficient to determine the role of this variant in disease. Therefore, it has been classified as a Variant of Uncertain Significance.

Blueprint Genetics
Classification: Likely benign. Last evaluated: 2022-09-15. Review status: criteria provided, single submitter. Criteria: ACMG Guidelines, 2015. Collection method: clinical testing. Allele origin: germline.

Ambry Genetics
Classification: Likely benign for Inborn genetic diseases. Last evaluated: 2022-03-25. Review status: criteria provided, single submitter. Criteria: Ambry Variant Classification Scheme 2023. Collection method: clinical testing. Allele origin: germline.